The following is an entry in ClinVar:

ClinVar aggregate classification (germline): Likely pathogenic (1 of 4 stars; one submission).

Conditions:
Ehlers-Danlos syndrome, classic type, 1 (EDSCL1). Also called: EDS I; Ehlers-Danlos syndrome, type 1; EHLERS-DANLOS SYNDROME, GRAVIS TYPE; EHLERS-DANLOS SYNDROME, SEVERE CLASSIC TYPE; Ehlers-Danlos Syndrome, Classic Type, COL5A1-Related. Identifiers: MedGen C0268335, MONDO:0019567, OMIM 130000.

Submission:

MGZ Medical Genetics Center
Classification: Likely pathogenic for Ehlers-Danlos syndrome, classic type, 1. Last evaluated: 2022-06-09. Review status: criteria provided, single submitter. Criteria: ACMG Guidelines, 2015. Collection method: clinical testing. Allele origin: germline. Affected: yes. Observed: 1 variant allele.
Comment: ACMG criteria applied: PVS1, PM2_SUP

NM_000093.5(COL5A1):c.5241C>A (p.Tyr1747Ter)

Genes: COL5A1 (collagen type V alpha 1 chain; plus strand), LOC101448202 (uncharacterized LOC101448202; minus strand). Cytogenetic location: 9q34.3.
Variant type: single nucleotide variant.
Coding change: c.5241C>A on transcript NM_000093.5 (MANE Select); coding-DNA position 5241, C replaced by A.
Protein change: p.Tyr1747Ter; replaces tyrosine 1747 with a stop codon.
Molecular consequence: nonsense.
Genome position (GRCh38, 1-based): chr9:134,835,075, C>A. VCF-style: chr9-134835075-C-A. GRCh37 (hg19) VCF-style: chr9-137726921-C-A.
Other names: c.5241C>A, p.Tyr1747Ter (NM_001278074.1); short protein forms Y1747*.
Identifiers: ClinVar variation 1709307 (VCV001709307.2), dbSNP rs2490930223, ClinGen allele CA375460538.